The following is an entry in ClinVar:

NM_172095.4(CATSPER2):c.1175A>C (p.Asp392Ala)

Gene: CATSPER2 (cation channel sperm associated 2; minus strand). Cytogenetic location: 15q15.3.
Variant type: single nucleotide variant.
Coding change: c.1175A>C on transcript NM_172095.4 (MANE Select); coding-DNA position 1175, A replaced by C.
Protein change: p.Asp392Ala; replaces aspartic acid 392 with alanine.
Molecular consequence: missense variant. On other transcripts: non-coding transcript variant (2).
Genome position (GRCh38, 1-based): chr15:43,635,363, T>G on the plus strand (A>C on the coding strand, the complement: CATSPER2 is on the minus strand). VCF-style: chr15-43635363-T-G. GRCh37 (hg19) VCF-style: chr15-43927561-T-G.
Other names: c.1175A>C, p.Asp392Ala (NM_001282309.3, NM_172096.1); c.1193A>C, p.Asp398Ala (NM_001282310.2); c.1175A>C (NM_172095.2); short protein forms D392A, D398A.
Identifiers: ClinVar variation 2591318 (VCV002591318.3), dbSNP rs374107739, ClinGen allele CA7528661.

ClinVar aggregate classification (germline): Uncertain significance. Review status: criteria provided, multiple submitters, no conflicts (2 of 4 stars). 2 submissions from 2 submitters: Uncertain significance (2). Last evaluated 2025-03-11.

Conditions:
CATSPER2-related condition.

Allele frequency attached by ClinVar (database versions not stated): ExAC 0.00002; gnomAD 0.00003; gnomAD exomes 0.00003.
gnomAD v4.1: 48 of 1,608,946 alleles (0.003%); highest among the groups gnomAD compares: East Asian, 0.013%; no homozygotes.

Submissions (2):

PreventionGenetics, part of Exact Sciences
Classification: Uncertain significance for CATSPER2-related condition. Last evaluated: 2025-03-11. Review status: criteria provided, single submitter. Criteria: ACMG Guidelines, 2015. Collection method: clinical testing. Allele origin: germline.
Comment: The CATSPER2 c.1175A>C variant is predicted to result in the amino acid substitution p.Asp392Ala. To our knowledge, this variant has not been reported in the literature. This variant is reported in 0.0099% of alleles in individuals of Ashkenazi Jewish descent in gnomAD. At this time, the clinical significance of this variant is uncertain due to the absence of conclusive functional and genetic evidence.

Ambry Genetics
Classification: Uncertain significance. Last evaluated: 2023-08-15. Review status: criteria provided, single submitter. Criteria: Ambry Variant Classification Scheme 2023. Collection method: clinical testing. Allele origin: germline.